The following is an entry in ClinVar:

ClinVar aggregate classification (germline): Uncertain significance (1 of 4 stars; one submission).

Conditions:
Inborn genetic diseases. Identifiers: MedGen C0950123, MeSH D030342.

Submission:

Ambry Genetics
Classification: Uncertain significance for Inborn genetic diseases. Last evaluated: 2024-11-30. Review status: criteria provided, single submitter. Criteria: Ambry Variant Classification Scheme 2023. Collection method: clinical testing. Allele origin: germline.
Comment: The p.H100Y variant (also known as c.298C>T), located in coding exon 1 of the SAMD9L gene, results from a C to T substitution at nucleotide position 298. The histidine at codon 100 is replaced by tyrosine, an amino acid with similar properties. This amino acid position is conserved. In addition, this alteration is predicted to be tolerated by in silico analysis. Based on the available evidence, the clinical significance of this variant remains unclear.

NM_152703.5(SAMD9L):c.298C>T (p.His100Tyr)

Gene: SAMD9L (sterile alpha motif domain containing 9 like; minus strand). Cytogenetic location: 7q21.2.
Variant type: single nucleotide variant.
Coding change: c.298C>T on transcript NM_152703.5 (MANE Select); coding-DNA position 298, C replaced by T.
Protein change: p.His100Tyr; replaces histidine 100 with tyrosine.
Molecular consequence: missense variant.
Genome position (GRCh38, 1-based): chr7:93,135,674, G>A on the plus strand (C>T on the coding strand, the complement: SAMD9L is on the minus strand). VCF-style: chr7-93135674-G-A. GRCh37 (hg19) VCF-style: chr7-92764987-G-A.
Other names: c.298C>T, p.His100Tyr (NM_001303496.3, NM_001303497.3, NM_001303498.3 and 5 more transcripts); short protein forms H100Y.
Identifiers: ClinVar variation 3437207 (VCV003437207.1).